The following is an entry in ClinVar:

ClinVar aggregate classification (germline): Uncertain significance. Review status: criteria provided, multiple submitters, no conflicts (2 of 4 stars). 3 submissions from 3 submitters: Uncertain significance (3). Last evaluated 2026-06-26.

Conditions:
Acromesomelic dysplasia 1, Maroteaux type (AMD1). Also called: ST. HELENA DYSPLASIA; ACROMESOMELIC DYSPLASIA 1. Identifiers: Orphanet 40, MedGen C1864356, MONDO:0011275, OMIM 602875.
Tall stature-scoliosis-macrodactyly of the great toes syndrome. Also called: Epiphyseal chondrodysplasia, miura type. Identifiers: Orphanet 329191, MedGen C4014690, MONDO:0014401, OMIM 615923.
Inborn genetic diseases. Identifiers: MedGen C0950123, MeSH D030342.

gnomAD v4.1: 47 of 1,614,030 alleles (0.0029%); highest among the groups gnomAD compares: Admixed American, 0.075%; no homozygotes.

Submissions (3):

Women's Health and Genetics/Laboratory Corporation of America, LabCorp
Classification: Uncertain significance. Last evaluated: 2026-06-26. Review status: criteria provided, single submitter. Criteria: LabCorp Variant Classification Summary - May 2015. Collection method: clinical testing. Allele origin: germline.
Comment: Variant summary: NPR2 c.838C>G (p.Arg280Gly) results in a non-conservative amino acid change in the encoded protein sequence. Algorithms developed to predict the effect of missense changes on protein structure and function are either unavailable or do not agree on the potential impact of this missense change. The variant allele was found at a frequency of 0.00016 in 251152 control chromosomes, predominantly at a frequency of 0.0011 within the Latino subpopulation in the gnomAD database. This frequency is not significantly higher than estimated for disease-causing variants in NPR2, allowing no conclusion about variant significance. To our knowledge, no occurrence of c.838C>G in individuals affected with NPR2-related conditions and no experimental evidence demonstrating its impact on protein function have been reported. ClinVar contains an entry for this variant (Variation ID: 3921484). Based on the evidence outlined above, the variant was classified as uncertain significance.

Labcorp Genetics (formerly Invitae), Labcorp
Classification: Uncertain significance for Tall stature-scoliosis-macrodactyly of the great toes syndrome; Acromesomelic dysplasia 1, Maroteaux type. Last evaluated: 2025-09-13. Review status: criteria provided, single submitter. Criteria: Invitae Variant Classification Sherloc (09022015). Collection method: clinical testing. Allele origin: germline.
Comment: This sequence change replaces arginine, which is basic and polar, with glycine, which is neutral and non-polar, at codon 280 of the NPR2 protein (p.Arg280Gly). This variant is present in population databases (rs771997028, gnomAD 0.1%). This variant has not been reported in the literature in individuals affected with NPR2-related conditions. ClinVar contains an entry for this variant (Variation ID: 3921484). An algorithm developed to predict the effect of missense changes on protein structure and function outputs the following: PolyPhen-2: "Benign". The glycine amino acid residue is found in multiple mammalian species, which suggests that this missense change does not adversely affect protein function. In summary, the available evidence is currently insufficient to determine the role of this variant in disease. Therefore, it has been classified as a Variant of Uncertain Significance.

Ambry Genetics
Classification: Uncertain significance for Inborn genetic diseases. Last evaluated: 2025-03-22. Review status: criteria provided, single submitter. Criteria: Ambry Variant Classification Scheme 2023. Collection method: clinical testing. Allele origin: germline.

NM_003995.4(NPR2):c.838C>G (p.Arg280Gly)

Gene: NPR2 (natriuretic peptide receptor 2; plus strand). Cytogenetic location: 9p13.3.
Variant type: single nucleotide variant.
Coding change: c.838C>G on transcript NM_003995.4 (MANE Select); coding-DNA position 838, C replaced by G.
Protein change: p.Arg280Gly; replaces arginine 280 with glycine.
Molecular consequence: missense variant.
Genome position (GRCh38, 1-based): chr9:35,794,068, C>G. VCF-style: chr9-35794068-C-G. GRCh37 (hg19) VCF-style: chr9-35794065-C-G.
Other names: c.838C>G, p.Arg280Gly (NM_001378923.1); short protein forms R280G.
Identifiers: ClinVar variation 3921484 (VCV003921484.3).
Genomic context (GRCh38, chr9:35,794,068, plus strand): 5'-GAGAGTCTCCGTGCAGGCCCCACACGTGCTACAGGCCGGCCCTGGCAGGACAATCGCACC[C>G]GGGAACAGGCCCAGGCCCTCAGAGAGGCCTTTCAGGTATCATTTGAGCCAAATCTGAAGG-3'
Protein context (NP_003986.2, residues 270-290): TGRPWQDNRT[Arg280Gly]EQAQALREAF